The following is an entry in ClinVar:

NM_001031710.3(KLHL7):c.442+657G>A

Gene: KLHL7 (kelch like family member 7; plus strand). Cytogenetic location: 7p15.3.
Variant type: single nucleotide variant.
Coding change: c.442+657G>A on transcript NM_001031710.3 (MANE Select); 657 bases into the intron after coding-DNA position 442, G replaced by A.
Molecular consequence: intron variant. On other transcripts: 3 prime UTR variant (1), non-coding transcript variant (1).
Genome position (GRCh38, 1-based): chr7:23,125,829, G>A. VCF-style: chr7-23125829-G-A. GRCh37 (hg19) VCF-style: chr7-23165448-G-A.
Other names: c.442+657G>A (NM_001031710.2); c.*10G>A (NM_001172428.2); c.298+657G>A (NM_018846.5).
Identifiers: ClinVar variation 4895426 (VCV004895426.2).
Genomic context (GRCh38, chr7:23,125,829, plus strand): 5'-GAAAAAGTTGATCAGAGCCTTCCAGAGTGTGGTATGCTTTTCACTGTGTGATGATCCTTA[G>A]TGGCACATGAATGAACGTCCAGATGTTTGTGCAGTAGCCCACCCTTATCTGCAGGATACG-3'

ClinVar aggregate classification (germline): Likely benign. Review status: criteria provided, multiple submitters, no conflicts (2 of 4 stars). 2 submissions from 2 submitters: Likely benign (2). Last evaluated 2024-11-23.

Conditions:
KLHL7-related disorder. Also called: KLHL7-related condition; KLHL7-related disorders.

gnomAD v4.1: 101 of 1,550,376 alleles (0.0065%); highest among the groups gnomAD compares: African/African-American, 0.12%; no homozygotes.

Submissions (2):

PreventionGenetics, part of Exact Sciences
Classification: Likely benign for KLHL7-related condition. Last evaluated: 2024-11-23. Review status: criteria provided, single submitter. Criteria: ACMG Guidelines, 2015. Collection method: clinical testing. Allele origin: germline.
Comment: This variant is classified as likely benign based on ACMG/AMP sequence variant interpretation guidelines (Richards et al. 2015 PMID: 25741868, with internal and published modifications).

Blueprint Genetics
Classification: Likely benign. Last evaluated: 2023-10-23. Review status: criteria provided, single submitter. Criteria: ACMG Guidelines, 2015. Collection method: clinical testing. Allele origin: germline.